The following is an entry in ClinVar:

ClinVar aggregate classification (germline): Uncertain significance (1 of 4 stars; one submission).

Submission:

GeneDx
Classification: Uncertain significance. Last evaluated: 2025-04-22. Review status: criteria provided, single submitter. Criteria: GeneDx Variant Classification Process June 2021. Collection method: clinical testing. Allele origin: germline. Affected: yes.
Comment: Not observed at significant frequency in large population cohorts (gnomAD); In silico analysis indicates that this missense variant does not alter protein structure/function; Has not been previously published as pathogenic or benign to our knowledge

NM_004187.5(KDM5C):c.1165A>G (p.Thr389Ala)

Gene: KDM5C (lysine demethylase 5C; minus strand). Cytogenetic location: Xp11.22.
Variant type: single nucleotide variant.
Coding change: c.1165A>G on transcript NM_004187.5 (MANE Select); coding-DNA position 1165, A replaced by G.
Protein change: p.Thr389Ala; replaces threonine 389 with alanine.
Molecular consequence: missense variant. On other transcripts: non-coding transcript variant (3).
Genome position (GRCh38, 1-based): chrX:53,211,864, T>C on the plus strand (A>G on the coding strand, the complement: KDM5C is on the minus strand). VCF-style: chrX-53211864-T-C. GRCh37 (hg19) VCF-style: chrX-53241046-T-C.
Other names: c.964A>G, p.Thr322Ala (NM_001146702.2); c.1162A>G, p.Thr388Ala (NM_001282622.3, NM_001353979.2, NM_001353982.2); c.1165A>G, p.Thr389Ala (NM_001353978.3, NM_001353981.2, NM_001353984.2); short protein forms T322A, T388A, T389A.
Identifiers: ClinVar variation 4527226 (VCV004527226.1).